The following is an entry in ClinVar:

NM_000038.6(APC):c.3373G>A (p.Val1125Ile)

Gene: APC (APC regulator of Wnt signaling pathway; plus strand). Cytogenetic location: 5q22.2.
Variant type: single nucleotide variant.
Coding change: c.3373G>A on transcript NM_000038.6 (MANE Select); coding-DNA position 3373, G replaced by A.
Protein change: p.Val1125Ile; replaces valine 1125 with isoleucine.
Molecular consequence: missense variant.
Genome position (GRCh38, 1-based): chr5:112,838,967, G>A. VCF-style: chr5-112838967-G-A. GRCh37 (hg19) VCF-style: chr5-112174664-G-A.
Other names: c.3373G>A, p.Val1125Ile (NM_001127510.3, NM_001354895.2); c.3319G>A, p.Val1107Ile (NM_001127511.3); c.3427G>A, p.Val1143Ile (NM_001354896.2); c.3403G>A, p.Val1135Ile (NM_001354897.2); c.3298G>A, p.Val1100Ile (NM_001354898.2); c.3289G>A, p.Val1097Ile (NM_001354899.2); c.3250G>A, p.Val1084Ile (NM_001354900.2); c.3196G>A, p.Val1066Ile (NM_001354901.2); and 5 more; short protein forms V1125I, V1024I, V1034I, V1097I, V842I, V999I, V1100I, V1107I.
Identifiers: ClinVar variation 809782 (VCV000809782.30), dbSNP rs1580634693, ClinGen allele CA16028724.
Genomic context (GRCh38, chr5:112,838,967, plus strand): 5'-CGGGGAGCCAATGGTTCAGAAACAAATCGAGTGGGTTCTAATCATGGAATTAATCAAAAT[G>A]TAAGCCAGTCTTTGTGTCAAGAAGATGACTATGAAGATGATAAGCCTACCAATTATAGTG-3'
Protein context (NP_000029.2, residues 1115-1135): VGSNHGINQN[Val1125Ile]SQSLCQEDDY

ClinVar aggregate classification (germline): Uncertain significance. Review status: criteria provided, multiple submitters, no conflicts (2 of 4 stars). 4 submissions from 4 submitters: Uncertain significance (4). Last evaluated 2025-05-18.

Conditions:
Hereditary cancer-predisposing syndrome. Also called: Neoplastic Syndromes, Hereditary; Tumor predisposition; Hereditary neoplastic syndrome; Hereditary Cancer Syndrome. Identifiers: Orphanet 140162, MedGen C0027672, MeSH D009386, MONDO:0015356.
Familial adenomatous polyposis 1 (FAP1). Also called: POLYPOSIS, ADENOMATOUS INTESTINAL; FAMILIAL ADENOMATOUS POLYPOSIS 1, ATTENUATED. Identifiers: MedGen C2713442, MONDO:0021056, OMIM 175100. Disease mechanism: loss of function.

gnomAD v4.1: 3 of 1,613,976 alleles (0.00019%); highest among the groups gnomAD compares: African/African-American, 0.0027%; no homozygotes.

Submissions (4):

Labcorp Genetics (formerly Invitae), Labcorp
Classification: Uncertain significance for Familial adenomatous polyposis 1. Last evaluated: 2025-05-18. Review status: criteria provided, single submitter. Criteria: Invitae Variant Classification Sherloc (09022015). Collection method: clinical testing. Allele origin: germline.
Comment: This sequence change replaces valine, which is neutral and non-polar, with isoleucine, which is neutral and non-polar, at codon 1125 of the APC protein (p.Val1125Ile). This variant is not present in population databases (gnomAD no frequency). This variant has not been reported in the literature in individuals affected with APC-related conditions. ClinVar contains an entry for this variant (Variation ID: 809782). Invitae Evidence Modeling of protein sequence and biophysical properties (such as structural, functional, and spatial information, amino acid conservation, physicochemical variation, residue mobility, and thermodynamic stability) indicates that this missense variant is not expected to disrupt APC protein function with a negative predictive value of 95%. In summary, the available evidence is currently insufficient to determine the role of this variant in disease. Therefore, it has been classified as a Variant of Uncertain Significance.

Color Diagnostics, LLC DBA Color Health
Classification: Uncertain significance for Hereditary cancer-predisposing syndrome. Last evaluated: 2024-09-03. Review status: criteria provided, single submitter. Criteria: ACMG Guidelines, 2015. Collection method: clinical testing. Allele origin: germline.
Comment: This missense variant replaces valine with isoleucine at codon 1125 of the APC protein. Computational prediction suggests that this variant may not impact protein structure and function (internally defined REVEL score threshold <= 0.5, PMID: 27666373). To our knowledge, functional studies have not been reported for this variant. This variant has not been reported in individuals affected with APC-related disorders in the literature. This variant has not been identified in the general population by the Genome Aggregation Database (gnomAD). The available evidence is insufficient to determine the role of this variant in disease conclusively. Therefore, this variant is classified as a Variant of Uncertain Significance.

Ambry Genetics
Classification: Uncertain significance for Hereditary cancer-predisposing syndrome. Last evaluated: 2024-01-18. Review status: criteria provided, single submitter. Criteria: Ambry Variant Classification Scheme 2023. Collection method: clinical testing. Allele origin: germline.
Comment: The p.V1125I variant (also known as c.3373G>A), located in coding exon 15 of the APC gene, results from a G to A substitution at nucleotide position 3373. The valine at codon 1125 is replaced by isoleucine, an amino acid with highly similar properties. This amino acid position is well conserved in available vertebrate species. In addition, in silico predictors for this gene do not accurately predict pathogenicity. Since supporting evidence is limited at this time, the clinical significance of this alteration remains unclear.

GeneDx
Classification: Uncertain significance. Last evaluated: 2022-09-16. Review status: criteria provided, single submitter. Criteria: GeneDx Variant Classification Process June 2021. Collection method: clinical testing. Allele origin: germline. Affected: yes.
Comment: Not observed at significant frequency in large population cohorts (gnomAD); In silico analysis supports that this missense variant does not alter protein structure/function; Has not been previously published as pathogenic or benign to our knowledge; This variant is associated with the following publications: (PMID: 18199528)